The following is an entry in ClinVar:

NM_152347.5(EFCAB13):c.1638T>G (p.Tyr546Ter)

Gene: EFCAB13 (EF-hand calcium binding domain 13; plus strand). Cytogenetic location: 17q21.32.
Variant type: single nucleotide variant.
Coding change: c.1638T>G on transcript NM_152347.5 (MANE Select); coding-DNA position 1638, T replaced by G.
Protein change: p.Tyr546Ter; replaces tyrosine 546 with a stop codon.
Molecular consequence: nonsense.
Genome position (GRCh38, 1-based): chr17:47,391,492, T>G. VCF-style: chr17-47391492-T-G. GRCh37 (hg19) VCF-style: chr17-45468858-T-G.
Other names: c.1350T>G, p.Tyr450Ter (NM_001195192.2, NM_001426588.1); c.1638T>G, p.Tyr546Ter (NM_001426585.1); c.1494T>G, p.Tyr498Ter (NM_001426586.1, NM_001426587.1); short protein forms Y450*, Y498*, Y546*.
Identifiers: ClinVar variation 3057043 (VCV003057043.2), dbSNP rs118004742, ClinGen allele CA8624008.

ClinVar aggregate classification (germline): Benign (0 of 4 stars; one submission).

Conditions:
EFCAB13-related disorder. Also called: EFCAB13-related condition.

Allele frequency attached by ClinVar (database versions not stated): 1000 Genomes Project 0.02316; 1000 Genomes Project 30x 0.02436; gnomAD 0.04156; TOPMed 0.04421; ESP Exome Variant Server 0.04430; ExAC 0.04443; gnomAD exomes 0.05084.
gnomAD v4.1: 79,796 of 1,592,556 alleles (5%); highest among the groups gnomAD compares: Middle Eastern, 13%; 2,394 homozygotes.

Submission:

PreventionGenetics, part of Exact Sciences
Classification: Benign for EFCAB13-related condition. Last evaluated: 2019-10-17. Review status: no assertion criteria provided. Collection method: clinical testing. Allele origin: germline.
Comment: This variant is classified as benign based on ACMG/AMP sequence variant interpretation guidelines (Richards et al. 2015 PMID: 25741868, with internal and published modifications).